The following is an entry in ClinVar:

ClinVar aggregate classification (germline): Pathogenic (1 of 4 stars; one submission).

Conditions:
Chuvash polycythemia. Also called: POLYCYTHEMIA, VHL-DEPENDENT. Identifiers: Orphanet 238557, MedGen C1837915, MONDO:0009892, OMIM 263400.
Von Hippel-Lindau syndrome (VHLS). Also called: Von Hippel-Lindau; VHL syndrome; von Hippel–Lindau syndrome. Identifiers: Orphanet 892, MedGen C0019562, MONDO:0008667, OMIM 193300. Disease mechanism: loss of function.

Submission:

Labcorp Genetics (formerly Invitae), Labcorp
Classification: Pathogenic for Von Hippel-Lindau syndrome; Erythrocytosis, familial, 2. Last evaluated: 2019-06-25. Review status: criteria provided, single submitter. Criteria: Invitae Variant Classification Sherloc (09022015). Collection method: clinical testing. Allele origin: germline.
Comment: This variant is a gross deletion of the genomic region encompassing exon 3 of the VHL gene. The 5' boundary is likely confined to intron 2. The 3' end of this event is unknown as it extends through the termination codon beyond the assayed region for this gene and may encompass additional genes. While this deletion is not anticipated to result in nonsense mediated decay, it is expected to create a truncated VHL protein. Deletion of exon 3 has been reported in multiple families with von Hippel-Lindau (VHL) Syndrome (PMID: 19280651, 8069305, 8707293). This deletion includes the elongin binding domain of VHL (PMID: 14987375), which is required for protein stability and tumor suppressive activity (PMID: 10900011). There are a number of missense and nonsense mutations found in exon 3 in individuals with von Hippel-Lindau syndrome, further demonstrating the importance of this region (PMID: 8707293). For these reasons, this variant has been classified as Pathogenic.

Literature cited by the submitters: PubMed 8707293; PubMed 14987375; PubMed 8069305; PubMed 10900011; PubMed 19280651.

NC_000003.12:g.(?_10149777)_(10149975_?)del

Genes: VHL (von Hippel-Lindau tumor suppressor; plus strand), LOC107303340 (3p25 von Hippel-Lindau tumor suppressor, E3 ubiquitin protein ligase Alu-mediated recombination region; plus strand). Cytogenetic location: 3p25.3.
Variant type: Deletion.
Identifiers: ClinVar variation 651806 (VCV000651806.2).